The following is an entry in ClinVar:

ClinVar aggregate classification (germline): Conflicting classifications of pathogenicity. Review status: criteria provided, conflicting classifications (1 of 4 stars). 3 submissions from 3 submitters: Uncertain significance (1); Likely benign (2). Last evaluated 2026-09-21.

Conditions:
Cardiovascular phenotype. Identifiers: MedGen CN230736.

gnomAD v4.1: 28 of 1,607,624 alleles (0.0017%); highest among the groups gnomAD compares: Admixed American, 0.046%; no homozygotes.

Submissions (3):

Molecular Diagnostic Laboratory for Inherited Cardiovascular Disease, Montreal Heart Institute
Classification: Uncertain significance for Cardiovascular phenotype. Last evaluated: 2026-09-21. Review status: criteria provided, single submitter. Criteria: ACMG Guidelines, 2015. Collection method: clinical testing. Allele origin: germline. Affected: yes.

CeGaT Center for Human Genetics Tuebingen
Classification: Likely benign. Last evaluated: 2026-07-01. Review status: criteria provided, single submitter. Criteria: CeGaT Center For Human Genetics Tuebingen Variant Classification Criteria Version 2. Collection method: clinical testing. Allele origin: germline. Affected: yes. Observed: 3 variant alleles.
Comment: TNNT2: BP4, BP7

Blueprint Genetics
Classification: Likely benign. Last evaluated: 2024-09-23. Review status: criteria provided, single submitter. Criteria: ACMG Guidelines, 2015. Collection method: clinical testing. Allele origin: germline.

NM_001276345.2(TNNT2):c.*13T>G

Gene: TNNT2 (troponin T2, cardiac type; minus strand). Cytogenetic location: 1q32.1.
Variant type: single nucleotide variant.
Coding change: c.*13T>G on transcript NM_001276345.2 (MANE Select); 13 bases downstream of the stop codon, T replaced by G.
Molecular consequence: 3 prime UTR variant.
Genome position (GRCh38, 1-based): chr1:201,359,197, A>C on the plus strand (T>G on the coding strand, the complement: TNNT2 is on the minus strand). VCF-style: chr1-201359197-A-C. GRCh37 (hg19) VCF-style: chr1-201328325-A-C.
Other names: c.*13T>G (NM_001406727.1, NM_001406728.1, NM_001001430.2 and 10 more transcripts).
Identifiers: ClinVar variation 4874747 (VCV004874747.4), dbSNP rs756239287.